The following is an entry in ClinVar:

NM_000179.3(MSH6):c.3795A>G (p.Gly1265=)

Gene: MSH6 (mutS homolog 6; plus strand). Cytogenetic location: 2p16.3.
Variant type: single nucleotide variant.
Coding change: c.3795A>G on transcript NM_000179.3 (MANE Select); coding-DNA position 3795, A replaced by G.
Protein change: p.Gly1265=; no amino-acid change (glycine 1265 retained).
Molecular consequence: synonymous variant.
Genome position (GRCh38, 1-based): chr2:47,806,352, A>G. VCF-style: chr2-47806352-A-G. GRCh37 (hg19) VCF-style: chr2-48033491-A-G.
Other names: c.3405A>G, p.Gly1135= (NM_001281492.2); c.2889A>G, p.Gly963= (NM_001281493.2, NM_001281494.2).
Identifiers: ClinVar variation 185429 (VCV000185429.20), dbSNP rs786202166, ClinGen allele CA014316.
Genomic context (GRCh38, chr2:47,806,352, plus strand): 5'-TTCAACTCACTACCATTCATTAGTAGAAGATTATTCTCAAAATGTTGCTGTGCGCCTAGG[A>G]CATATGGTATGTGCAAATTGTTTTTTTCCACAAATTCGGTTTTTTGAGAGGGCACTTCTC-3'
Protein context (NP_000170.1, residues 1255-1275): DYSQNVAVRL[Gly1265=]HMACMVENEC

ClinVar aggregate classification (germline): Benign/Likely benign. Review status: criteria provided, multiple submitters, no conflicts (2 of 4 stars). 5 submissions from 5 submitters: Benign (1); Likely benign (4). Last evaluated 2025-10-21.

Conditions:
Hereditary nonpolyposis colorectal neoplasms. Identifiers: MedGen C0009405, MeSH D003123.
Hereditary cancer-predisposing syndrome. Also called: Hereditary neoplastic syndrome; Neoplastic Syndromes, Hereditary; Tumor predisposition; Hereditary Cancer Syndrome. Identifiers: Orphanet 140162, MedGen C0027672, MeSH D009386, MONDO:0015356.
Lynch syndrome. Identifiers: Orphanet 144, MedGen C4552100, MONDO:0005835. Disease mechanism: loss of function.
Lynch syndrome 5 (LYNCH5). Also called: Hereditary non-polyposis colorectal cancer, type 5; Colorectal cancer, hereditary nonpolyposis, type 5. Identifiers: Orphanet 144, MedGen C1833477, MONDO:0013710, OMIM 614350. Disease mechanism: loss of function.

Allele frequency attached by ClinVar (database versions not stated): gnomAD exomes below 0.00001; TOPMed below 0.00001.
gnomAD v4.1: 2 of 1,614,138 alleles (0.00012%); highest among the groups gnomAD compares: Non-Finnish European, 0.000085%; no homozygotes.

Submissions (5):

Labcorp Genetics (formerly Invitae), Labcorp
Classification: Likely benign for Hereditary nonpolyposis colorectal neoplasms. Last evaluated: 2025-10-21. Review status: criteria provided, single submitter. Criteria: Invitae Variant Classification Sherloc (09022015). Collection method: clinical testing. Allele origin: germline.

Myriad Genetics, Inc.
Classification: Benign for Lynch syndrome 5. Last evaluated: 2025-01-08. Review status: criteria provided, single submitter. Criteria: Myriad Autosomal Dominant, Autosomal Recessive and X-Linked Classification Criteria (2023). Collection method: clinical testing. Allele origin: unknown.
Comment: This variant is considered benign. This variant is a silent/synonymous amino acid change and it is not expected to impact splicing.

All of Us Research Program, National Institutes of Health
Classification: Likely benign for Lynch syndrome. Last evaluated: 2023-05-16. Review status: criteria provided, single submitter. Criteria: ACMG Guidelines, 2015. Collection method: clinical testing. Allele origin: germline. Inheritance: Autosomal dominant inheritance. Observed: 1 variant allele, 1 heterozygote.
Comment: This study involves interpretation of variants in research participants for the purpose of population health screening. Participant phenotype was not available at the time of variant classification. Additional details can be found in publication PMID: 35346344, PMCID: PMC8962531

Color Diagnostics, LLC DBA Color Health
Classification: Likely benign for Hereditary cancer-predisposing syndrome. Last evaluated: 2018-03-08. Review status: criteria provided, single submitter. Criteria: ACMG Guidelines, 2015. Collection method: clinical testing. Allele origin: germline.

Ambry Genetics
Classification: Likely benign for Hereditary cancer-predisposing syndrome. Last evaluated: 2017-09-11. Review status: criteria provided, single submitter. Criteria: Ambry Variant Classification Scheme 2023. Collection method: clinical testing. Allele origin: germline.